The following is an entry in ClinVar:

NM_001001331.4(ATP2B2):c.527A>T (p.Glu176Val)

Gene: ATP2B2 (ATPase plasma membrane Ca2+ transporting 2; minus strand). Cytogenetic location: 3p25.3.
Variant type: single nucleotide variant.
Coding change: c.527A>T on transcript NM_001001331.4 (MANE Select); coding-DNA position 527, A replaced by T.
Protein change: p.Glu176Val; replaces glutamic acid 176 with valine.
Molecular consequence: missense variant.
Genome position (GRCh38, 1-based): chr3:10,402,219, T>A on the plus strand (A>T on the coding strand, the complement: ATP2B2 is on the minus strand). VCF-style: chr3-10402219-T-A. GRCh37 (hg19) VCF-style: chr3-10443903-T-A.
Other names: c.527A>T, p.Glu176Val (NM_001330611.3, NM_001353564.1, NM_001363862.1 and 1 more transcripts); short protein forms E176V.
Identifiers: ClinVar variation 3769990 (VCV003769990.1).

ClinVar aggregate classification (germline): Uncertain significance (1 of 4 stars; one submission).

Submission:

GeneDx
Classification: Uncertain significance. Last evaluated: 2024-09-12. Review status: criteria provided, single submitter. Criteria: GeneDx Variant Classification Process June 2021. Collection method: clinical testing. Allele origin: germline. Affected: yes.
Comment: Not observed at significant frequency in large population cohorts (gnomAD); In silico analysis supports that this missense variant has a deleterious effect on protein structure/function; Has not been previously published as pathogenic or benign to our knowledge